The following is an entry in ClinVar:

NM_002693.3(POLG):c.924G>T (p.Gln308His)

Gene: POLG (DNA polymerase gamma, catalytic subunit; minus strand). Cytogenetic location: 15q26.1.
Variant type: single nucleotide variant.
Coding change: c.924G>T on transcript NM_002693.3 (MANE Select); coding-DNA position 924, G replaced by T.
Protein change: p.Gln308His; replaces glutamine 308 with histidine.
Molecular consequence: missense variant.
Genome position (GRCh38, 1-based): chr15:89,329,042, C>A on the plus strand (G>T on the coding strand, the complement: POLG is on the minus strand). VCF-style: chr15-89329042-C-A. GRCh37 (hg19) VCF-style: chr15-89872273-C-A.
Other names: c.924G>T, p.Gln308His (NM_001126131.2); short protein forms Q308H.
Identifiers: ClinVar variation 268096 (VCV000268096.2), dbSNP rs745539599.
Genomic context (GRCh38, chr15:89,329,042, plus strand): 5'-TTGCTTTGTGGGGGGCTGGACCTTGTGTTTGCCCTGCTTGGCTGCTATCCACAGACTGCG[C>A]TGGAAGCTGCTTAGCCCTGAGATGGCCATGTGCATGCTCATGGTGTCCAGGAAACGCATG-3'
Protein context (NP_002684.1, residues 298-318): HMAISGLSSF[Gln308His]RSLWIAAKQG

ClinVar aggregate classification (germline): Likely pathogenic (1 of 4 stars; one submission).

Conditions:
Mitochondrial DNA depletion syndrome. Also called: mitochondrial DNA depletion. Identifiers: Orphanet 35698, MedGen C0342782, MONDO:0018158.

Allele frequency attached by ClinVar (database versions not stated): gnomAD exomes below 0.00001; TOPMed below 0.00001; ExAC 0.00001; gnomAD 0.00001.

Submission:

Women's Health and Genetics/Laboratory Corporation of America, LabCorp
Classification: Likely pathogenic for Mitochondrial DNA depletion syndrome. Last evaluated: 2025-06-25. Review status: criteria provided, single submitter. Criteria: LabCorp Variant Classification Summary - May 2015. Collection method: clinical testing. Allele origin: germline.
Comment: Variant summary: POLG c.924G>T (p.Gln308His) results in a non-conservative amino acid change located in the DNA mitochondrial polymerase, exonuclease domain (IPR041336) of the encoded protein sequence. Algorithms developed to predict the effect of missense changes on protein structure and function all suggest that this variant is likely to be disruptive. The variant allele was found at a frequency of 4e-06 in 247986 control chromosomes (gnomAD). The variant, c.924G>T, has been observed in compound heterozygous state in individuals affected with POLG related disorders, including Mitochondrial DNA Depletion Syndrome (Wan_2021, Hou_2022). In addition, the same missense resulting from a different nucleotide change (c.924G>T) is also reported in affected individuals (PMIDs 16621917, 37066920). These data indicate that the variant may be associated with disease. At least one publication reported experimental evidence evaluating an impact on protein function, and demonstrated that the Q264H variant in the yeast homolog (that corresponds to Q308H in human POLG) resulted in disrupted mitochondrial DNA replication (Stumpf_2010). The following publications have been ascertained in the context of this evaluation (PMID: 35289132, 34284285, 32613234, 20185557). ClinVar contains an entry for this variant (Variation ID: 268096). Based on the evidence outlined above, the variant was classified as likely pathogenic.

Literature cited by the submitters: PubMed 20185557; PubMed 34284285; PubMed 35289132; PubMed 32613234.